The following is an entry in ClinVar:

NM_007254.4(PNKP):c.229C>T (p.Gln77Ter)

Gene: PNKP (polynucleotide kinase 3'-phosphatase; minus strand). Cytogenetic location: 19q13.33.
Variant type: single nucleotide variant.
Coding change: c.229C>T on transcript NM_007254.4 (MANE Select); coding-DNA position 229, C replaced by T.
Protein change: p.Gln77Ter; replaces glutamine 77 with a stop codon.
Molecular consequence: nonsense.
Genome position (GRCh38, 1-based): chr19:49,865,396, G>A on the plus strand (C>T on the coding strand, the complement: PNKP is on the minus strand). VCF-style: chr19-49865396-G-A. GRCh37 (hg19) VCF-style: chr19-50368653-G-A.
Other names: short protein forms Q77*.
Identifiers: ClinVar variation 620446 (VCV000620446.1), dbSNP rs1568662343, ClinGen allele CA406891265.

ClinVar aggregate classification (germline): Likely pathogenic (1 of 4 stars; one submission).

Allele frequency attached by ClinVar (database versions not stated): gnomAD exomes below 0.00001; TOPMed below 0.00001; gnomAD 0.00001.
gnomAD v4.1: 5 of 1,611,846 alleles (0.00031%); highest among the groups gnomAD compares: Non-Finnish European, 0.00042%; no homozygotes.

Submission:

GeneDx
Classification: Likely pathogenic. Last evaluated: 2018-11-02. Review status: criteria provided, single submitter. Criteria: GeneDx Variant Classification (06012015). Collection method: clinical testing. Allele origin: germline. Affected: yes.
Comment: A variant that is likely pathogenic has been identified in the PNKP gene. The Q77X nonsense variant has not been published as a pathogenic variant, nor has it been reported as a benign variant to our knowledge. The Q77X variant is predicted to cause loss of normal protein function either through protein truncation or nonsense-mediated mRNA decay. The Q77X variant is not observed in large population cohorts (Lek et al., 2016). Therefore, this variant is likely pathogenic; however, the possibility that it is benign cannot be excluded.